The following is an entry in ClinVar:

NM_000219.6(KCNE1):c.317G>A (p.Cys106Tyr)

Gene: KCNE1 (potassium voltage-gated channel subfamily E regulatory subunit 1; minus strand). Cytogenetic location: 21q22.12.
Variant type: single nucleotide variant.
Coding change: c.317G>A on transcript NM_000219.6 (MANE Select); coding-DNA position 317, G replaced by A.
Protein change: p.Cys106Tyr; replaces cysteine 106 with tyrosine.
Molecular consequence: missense variant.
Genome position (GRCh38, 1-based): chr21:34,449,318, C>T on the plus strand (G>A on the coding strand, the complement: KCNE1 is on the minus strand). VCF-style: chr21-34449318-C-T. GRCh37 (hg19) VCF-style: chr21-35821616-C-T.
Other names: c.317G>A, p.Cys106Tyr (NM_001127668.4, NM_001127669.4, NM_001127670.4 and 4 more transcripts); short protein forms C106Y.
Identifiers: ClinVar variation 3374619 (VCV003374619.2).

Conditions:
Long QT syndrome 5 (LQT5). Identifiers: Orphanet 101016, Orphanet 768, MedGen C1867904, MONDO:0013372, OMIM 613695.

Submission:

Roden Lab, Vanderbilt University Medical Center
No classification provided (evidence only). Condition: Long QT syndrome 5. Review status: no classification provided. Collection method: in vitro. Allele origin: not applicable. Functional consequence: Effect on ion channel function.
ClinVar note: "not provided" was previously submitted as the classification for the variant. However, the classification appeared to be based only on an observation of functional data so it was converted to no classification on 2025-07-30.